The following is an entry in ClinVar:

ClinVar aggregate classification (germline): Pathogenic (1 of 4 stars; one submission).

Conditions:
Long chain 3-hydroxyacyl-CoA dehydrogenase deficiency. Also called: LCHAD Deficiency; Deficiency of long-chain 3-hydroxyacyl-coenzyme A dehydrogenase. Identifiers: Orphanet 5, MedGen C3711645, MONDO:0012173, OMIM 609016.
Mitochondrial trifunctional protein deficiency. Identifiers: Orphanet 746, MedGen C1969443, MONDO:0012172.

Submission:

Labcorp Genetics (formerly Invitae), Labcorp
Classification: Pathogenic for Mitochondrial trifunctional protein deficiency; Long chain 3-hydroxyacyl-CoA dehydrogenase deficiency. Last evaluated: 2022-08-21. Review status: criteria provided, single submitter. Criteria: Invitae Variant Classification Sherloc (09022015). Collection method: clinical testing. Allele origin: germline.
Comment: For these reasons, this variant has been classified as Pathogenic. This variant has not been reported in the literature in individuals affected with HADHA-related conditions. This variant is not present in population databases (gnomAD no frequency). This sequence change creates a premature translational stop signal (p.Leu408Metfs*4) in the HADHA gene. It is expected to result in an absent or disrupted protein product. Loss-of-function variants in HADHA are known to be pathogenic (PMID: 7738175, 21103935, 21549624, 22459206).

Literature cited by the submitters: PubMed 7738175; PubMed 21103935; PubMed 21549624; PubMed 22459206.

NC_000002.12:g.26201318_26201321del

Genes: GAREM2 (GRB2 associated regulator of MAPK1 subtype 2; plus strand), HADHA (hydroxyacyl-CoA dehydrogenase trifunctional multienzyme complex subunit alpha; minus strand). Cytogenetic location: 2p23.3.
Variant type: Deletion.
Genome position: GRCh38 VCF-style: chr2-26201315-TTCAA-T. GRCh37 (hg19) VCF-style: chr2-26424184-TTCAA-T.
Identifiers: ClinVar variation 2025539 (VCV002025539.4), dbSNP rs2465534647, ClinGen allele CA2580066149.
Genomic context (GRCh38, chr2:26,201,315, plus strand): 5'-AAGTTGCTGAAGATGGAATCCCTTTCAAATGATGTTAGAGCTTTCTTCTTCACTTTGTCA[TTCAA>T]TCTAGAAAAAACACATTCCTAGTTAGATGGGAAGAAAAGGAAACTAACGTTTATTGAATG-3'